The following is an entry in ClinVar:

ClinVar aggregate classification (germline): Uncertain significance (1 of 4 stars; one submission).

Conditions:
Amyotrophic lateral sclerosis type 1 (ALS1). Also called: AMYOTROPHIC LATERAL SCLEROSIS 1, FAMILIAL. Identifiers: Orphanet 803, MedGen C1862939, MONDO:0007103, OMIM 105400.
Neuronopathy, distal hereditary motor, type 7B. Also called: NEURONOPATHY, DISTAL HEREDITARY MOTOR, AUTOSOMAL DOMINANT 14; NEURONOPATHY, DISTAL HEREDITARY MOTOR, HARDING TYPE VIIB; NEUROPATHY, DISTAL HEREDITARY MOTOR, HARDING TYPE VIIB; NEUROPATHY, DISTAL HEREDITARY MOTOR, WITH VOCAL CORD PARALYSIS, HARDING TYPE VIIB; Distal Hereditary Motor Neuronopathy Type 7B (dHMN7B); HMN VIIB. Identifiers: Orphanet 139589, MedGen C1843315, MONDO:0011879, OMIM 607641.
Perry syndrome. Also called: PARKINSONISM WITH ALVEOLAR HYPOVENTILATION AND MENTAL DEPRESSION. Identifiers: Orphanet 178509, MedGen C1868594, MONDO:0008201, OMIM 168605.

Submission:

Labcorp Genetics (formerly Invitae), Labcorp
Classification: Uncertain significance for Amyotrophic lateral sclerosis type 1; Neuronopathy, distal hereditary motor, type 7B; Perry syndrome. Last evaluated: 2021-03-29. Review status: criteria provided, single submitter. Criteria: Invitae Variant Classification Sherloc (09022015). Collection method: clinical testing. Allele origin: germline.
Comment: In summary, the available evidence is currently insufficient to determine the role of this variant in disease. Therefore, it has been classified as a Variant of Uncertain Significance. Algorithms developed to predict the effect of missense changes on protein structure and function are either unavailable or do not agree on the potential impact of this missense change (SIFT: "Deleterious"; PolyPhen-2: "Benign"; Align-GVGD: "Class C65"). This variant has not been reported in the literature in individuals with DCTN1-related conditions. This variant is not present in population databases (ExAC no frequency). This sequence change replaces histidine with asparagine at codon 1167 of the DCTN1 protein (p.His1167Asn). The histidine residue is highly conserved and there is a small physicochemical difference between histidine and asparagine.

NM_004082.5(DCTN1):c.3499C>A (p.His1167Asn)

Gene: DCTN1 (dynactin subunit 1; minus strand). Cytogenetic location: 2p13.1.
Variant type: single nucleotide variant.
Coding change: c.3499C>A on transcript NM_004082.5 (MANE Select); coding-DNA position 3499, C replaced by A.
Protein change: p.His1167Asn; replaces histidine 1167 with asparagine.
Molecular consequence: missense variant. On other transcripts: non-coding transcript variant (1).
Genome position (GRCh38, 1-based): chr2:74,363,024, G>T on the plus strand (C>A on the coding strand, the complement: DCTN1 is on the minus strand). VCF-style: chr2-74363024-G-T. GRCh37 (hg19) VCF-style: chr2-74590151-G-T.
Other names: c.3424C>A, p.His1142Asn (NM_001135040.3); c.3082C>A, p.His1028Asn (NM_001135041.3); c.3373C>A, p.His1125Asn (NM_001190836.2); c.3478C>A, p.His1160Asn (NM_001190837.2); c.3448C>A, p.His1150Asn (NM_001378991.1); c.3430C>A, p.His1144Asn (NM_001378992.1); c.3097C>A, p.His1033Asn (NM_023019.4); short protein forms H1125N, H1150N, H1028N, H1033N, H1160N, H1167N, H1142N, H1144N.
Identifiers: ClinVar variation 1520804 (VCV001520804.8), dbSNP rs2104395345, ClinGen allele CA347337108.
Genomic context (GRCh38, chr2:74,363,024, plus strand): 5'-TATTCATCTTGGGGGTTGGCAGGTACATACCAGGGCTGGTGCGAGTGATGTCTACTACGT[G>T]CGTGTGTGTGCTCAATTGATTCAATGTCTCCAGCAGCTGGCTGGTCTTACGATACAGCGC-3'
Protein context (NP_004073.2, residues 1157-1177): ETLNQLSTHT[His1167Asn]VVDITRTSPA